The following is an entry in ClinVar:

NM_020207.7(ERCC6L2):c.22C>A (p.Pro8Thr)

Gene: ERCC6L2 (ERCC excision repair 6 like 2; plus strand). Cytogenetic location: 9q22.32.
Variant type: single nucleotide variant.
Coding change: c.22C>A on transcript NM_020207.7 (MANE Select); coding-DNA position 22, C replaced by A.
Protein change: p.Pro8Thr; replaces proline 8 with threonine.
Molecular consequence: missense variant. On other transcripts: non-coding transcript variant (1).
Genome position (GRCh38, 1-based): chr9:95,876,060, C>A. VCF-style: chr9-95876060-C-A. GRCh37 (hg19) VCF-style: chr9-98638342-C-A.
Other names: c.22C>A, p.Pro8Thr (NM_001010895.4, NM_001375291.1, NM_001375292.1 and 2 more transcripts); short protein forms P8T.
Identifiers: ClinVar variation 4618728 (VCV004618728.1).
Genomic context (GRCh38, chr9:95,876,060, plus strand): 5'-TGTTACATGCAGCCGGGCTCGGCCCCTCCCCCTGGCCGGATGGATCCGTCGGCGCCACAG[C>A]CCCGCGCGGAAACCTCAGGCAAAGGTACCAGCTCCGCGCTCGCCCCTTACGCAGAGGCCT-3'
Protein context (NP_064592.3, residues 1-18): MDPSAPQ[Pro8Thr]RAETSGKDIW

ClinVar aggregate classification (germline): Uncertain significance (1 of 4 stars; one submission).

Conditions:
Inborn genetic diseases. Identifiers: MedGen C0950123, MeSH D030342.

gnomAD v4.1: 3 of 1,584,958 alleles (0.00019%); highest among the groups gnomAD compares: Non-Finnish European, 0.00026%; no homozygotes.

Submission:

Ambry Genetics
Classification: Uncertain significance for Inborn genetic diseases. Last evaluated: 2025-10-15. Review status: criteria provided, single submitter. Criteria: Ambry Variant Classification Scheme 2023. Collection method: clinical testing. Allele origin: germline.
Comment: The p.P8T variant (also known as c.22C>A), located in coding exon 1 of the ERCC6L2 gene, results from a C to A substitution at nucleotide position 22. The proline at codon 8 is replaced by threonine, an amino acid with highly similar properties. This amino acid position is conserved. In addition, this alteration is predicted to be tolerated by in silico analysis. Based on the available evidence, the clinical significance of this variant remains unclear.